The following is an entry in ClinVar:

ClinVar aggregate classification (germline): Uncertain significance (1 of 4 stars; one submission).

Conditions:
Bethlem myopathy 1A. Also called: MYOPATHY, BENIGN CONGENITAL, WITH CONTRACTURES; Bethlem Muscular Dystrophy; Bethlem myopathy 1. Identifiers: Orphanet 610, MedGen CN029274, MONDO:0024530, OMIM 158810.

gnomAD v4.1: 1 of 1,612,574 alleles (0.000062%); highest among the groups gnomAD compares: East Asian, 0.0022%; no homozygotes.

Submission:

Labcorp Genetics (formerly Invitae), Labcorp
Classification: Uncertain significance for Bethlem myopathy 1A. Last evaluated: 2022-07-06. Review status: criteria provided, single submitter. Criteria: Invitae Variant Classification Sherloc (09022015). Collection method: clinical testing. Allele origin: germline.
Comment: This sequence change replaces valine, which is neutral and non-polar, with alanine, which is neutral and non-polar, at codon 638 of the COL6A2 protein (p.Val638Ala). This variant is present in population databases (rs141919484, gnomAD 0.006%). In summary, the available evidence is currently insufficient to determine the role of this variant in disease. Therefore, it has been classified as a Variant of Uncertain Significance. Advanced modeling of protein sequence and biophysical properties (such as structural, functional, and spatial information, amino acid conservation, physicochemical variation, residue mobility, and thermodynamic stability) performed at Invitae indicates that this missense variant is expected to disrupt COL6A2 protein function. ClinVar contains an entry for this variant (Variation ID: 1429890). This variant has not been reported in the literature in individuals affected with COL6A2-related conditions.

NM_001849.4(COL6A2):c.1913T>C (p.Val638Ala)

Gene: COL6A2 (collagen type VI alpha 2 chain; plus strand). Cytogenetic location: 21q22.3.
Variant type: single nucleotide variant.
Coding change: c.1913T>C on transcript NM_001849.4 (MANE Select); coding-DNA position 1913, T replaced by C.
Protein change: p.Val638Ala; replaces valine 638 with alanine.
Molecular consequence: missense variant.
Genome position (GRCh38, 1-based): chr21:46,125,561, T>C. VCF-style: chr21-46125561-T-C. GRCh37 (hg19) VCF-style: chr21-47545475-T-C.
Other names: c.1913T>C, p.Val638Ala (NM_058174.3, NM_058175.3); short protein forms V638A.
Identifiers: ClinVar variation 1429890 (VCV001429890.8), dbSNP rs141919484, ClinGen allele CA10072331.